The following is an entry in ClinVar:

NM_000275.3(OCA2):c.2404dup (p.Tyr802fs)

Gene: OCA2 (OCA2 melanosomal transmembrane protein; minus strand). Cytogenetic location: 15q13.1.
Variant type: Duplication.
Coding change: c.2404dup on transcript NM_000275.3 (MANE Select); coding-DNA position 2404, one base duplicated (T; older notation c.2404dupT).
Protein change: p.Tyr802fs; shifts the reading frame from tyrosine 802.
Molecular consequence: frameshift variant.
Genome position (GRCh38, 1-based): chr15:27,844,987, A duplicated on the plus strand (T on the coding strand, the reverse complement: OCA2 is on the minus strand). VCF-style (leftmost placement, unchanged base first): chr15-27844986-T-TA. GRCh37 (hg19) VCF-style: chr15-28090132-T-TA.
Other names: c.2332dup, p.Tyr778fs (NM_001300984.2); short protein forms Y778fs, Y802fs.
Identifiers: ClinVar variation 1709742 (VCV001709742.8), dbSNP rs2505163374, ClinGen allele CA2575652830.

ClinVar aggregate classification (germline): Conflicting classifications of pathogenicity. Review status: criteria provided, conflicting classifications (1 of 4 stars). 3 submissions from 3 submitters: Pathogenic (1); Uncertain significance (2). Last evaluated 2022-10-03.

Conditions:
Tyrosinase-positive oculocutaneous albinism (OCA2). Also called: ALBINISM II; Oculocutaneous albinism type 2; Albinism, oculocutaneous, type II. Identifiers: Orphanet 79432, MedGen C0268495, MONDO:0008746, OMIM 203200.

Allele frequency attached by ClinVar (database versions not stated): gnomAD exomes below 0.00001.

Submissions (3):

Labcorp Genetics (formerly Invitae), Labcorp
Classification: Pathogenic. Last evaluated: 2022-10-03. Review status: criteria provided, single submitter. Criteria: Invitae Variant Classification Sherloc (09022015). Collection method: clinical testing. Allele origin: germline.
Comment: This frameshift has been observed in individual(s) with ocular albinism (PMID: 27734839). This variant is not present in population databases (gnomAD no frequency). This sequence change results in a frameshift in the OCA2 gene (p.Tyr802Leufs*48). While this is not anticipated to result in nonsense mediated decay, it is expected to disrupt the last 37 amino acid(s) of the OCA2 protein and extend the protein by 10 additional amino acid residues. This variant disrupts a region of the OCA2 protein in which other variant(s) (p.Tyr827*) have been determined to be pathogenic (PMID: 29345414). This suggests that this is a clinically significant region of the protein, and that variants that disrupt it are likely to be disease-causing. For these reasons, this variant has been classified as Pathogenic.

MGZ Medical Genetics Center
Classification: Uncertain significance for Tyrosinase-positive oculocutaneous albinism. Last evaluated: 2022-08-10. Review status: criteria provided, single submitter. Criteria: ACMG Guidelines, 2015. Collection method: clinical testing. Allele origin: germline. Affected: yes. Observed: 1 variant allele.
Comment: ACMG criteria applied: PVS1_MOD, PS4_SUP, PM2_SUP, PM3_SUP

Blueprint Genetics
Classification: Uncertain significance. Last evaluated: 2021-04-01. Review status: criteria provided, single submitter. Criteria: ACMG Guidelines, 2015. Collection method: clinical testing. Allele origin: germline.

Literature cited by the submitters: PubMed 27734839 (cited by Labcorp Genetics (formerly Invitae), Labcorp); PubMed 29345414 (cited by Labcorp Genetics (formerly Invitae), Labcorp).